The following is an entry in ClinVar:

ClinVar aggregate classification (germline): Uncertain significance (1 of 4 stars; one submission).

Submission:

Labcorp Genetics (formerly Invitae), Labcorp
Classification: Uncertain significance. Last evaluated: 2023-04-14. Review status: criteria provided, single submitter. Criteria: Invitae Variant Classification Sherloc (09022015). Collection method: clinical testing. Allele origin: germline.
Comment: In summary, the available evidence is currently insufficient to determine the role of this variant in disease. Therefore, it has been classified as a Variant of Uncertain Significance. An algorithm developed to predict the effect of missense changes on protein structure and function (PolyPhen-2) suggests that this variant is likely to be tolerated. This variant has not been reported in the literature in individuals affected with MYLK3-related conditions. This variant is not present in population databases (gnomAD no frequency). This sequence change replaces histidine, which is basic and polar, with aspartic acid, which is acidic and polar, at codon 11 of the MYLK3 protein (p.His11Asp).

NM_182493.3(MYLK3):c.31C>G (p.His11Asp)

Gene: MYLK3 (myosin light chain kinase 3; minus strand). Cytogenetic location: 16q11.2.
Variant type: single nucleotide variant.
Coding change: c.31C>G on transcript NM_182493.3 (MANE Select); coding-DNA position 31, C replaced by G.
Protein change: p.His11Asp; replaces histidine 11 with aspartic acid.
Molecular consequence: missense variant. On other transcripts: intron variant (1).
Genome position (GRCh38, 1-based): chr16:46,748,163, G>C on the plus strand (C>G on the coding strand, the complement: MYLK3 is on the minus strand). VCF-style: chr16-46748163-G-C. GRCh37 (hg19) VCF-style: chr16-46782075-G-C.
Other names: c.-113-8016C>G (NM_001308301.1); short protein forms H11D.
Identifiers: ClinVar variation 2853347 (VCV002853347.3), dbSNP rs1967064148, ClinGen allele CA395799335.